The following is an entry in ClinVar:

NM_002473.6(MYH9):c.3697G>A (p.Val1233Met)

Gene: MYH9 (myosin heavy chain 9; minus strand). Cytogenetic location: 22q12.3.
Variant type: single nucleotide variant.
Coding change: c.3697G>A on transcript NM_002473.6 (MANE Select); coding-DNA position 3697, G replaced by A.
Protein change: p.Val1233Met; replaces valine 1233 with methionine.
Molecular consequence: missense variant.
Genome position (GRCh38, 1-based): chr22:36,294,232, C>T on the plus strand (G>A on the coding strand, the complement: MYH9 is on the minus strand). VCF-style: chr22-36294232-C-T. GRCh37 (hg19) VCF-style: chr22-36690278-C-T.
Other names: short protein forms V1233M.
Identifiers: ClinVar variation 227609 (VCV000227609.13), dbSNP rs542791128, ClinGen allele CA10209590.
Genomic context (GRCh38, chr22:36,294,232, plus strand): 5'-GCGCCTCCACTTTCTTGCGCTTGTGCTCCGAGTCCCCTTTGCCCTGCAGCAGCACCTTCA[C>T]CTCGTTGGCCAGCTCCCCCCGCTCGTTCTCCAGAGTCTGCTTTGCCTTCTCGAGGTTTGC-3'
Protein context (NP_002464.1, residues 1223-1243): ENERGELANE[Val1233Met]KVLLQGKGDS

ClinVar aggregate classification (germline): Benign/Likely benign. Review status: criteria provided, multiple submitters, no conflicts (2 of 4 stars). 4 submissions from 4 submitters: Benign (2); Likely benign (2). Last evaluated 2026-01-09.

Allele frequency attached by ClinVar (database versions not stated): gnomAD 0.00001 and 0.00029; TOPMed 0.00007; gnomAD exomes 0.00082; ExAC 0.00096; 1000 Genomes Project 30x 0.00250; 1000 Genomes Project 0.00280.
gnomAD v4.1: 672 of 1,614,126 alleles (0.042%); highest among the groups gnomAD compares: South Asian, 0.64%; 7 homozygotes.

Submissions (4):

Labcorp Genetics (formerly Invitae), Labcorp
Classification: Benign. Last evaluated: 2026-01-09. Review status: criteria provided, single submitter. Criteria: Invitae Variant Classification Sherloc (09022015). Collection method: clinical testing. Allele origin: germline.

Blueprint Genetics
Classification: Likely benign. Last evaluated: 2024-11-27. Review status: criteria provided, single submitter. Criteria: ACMG Guidelines, 2015. Collection method: clinical testing. Allele origin: germline.

GeneDx
Classification: Likely benign. Last evaluated: 2021-04-29. Review status: criteria provided, single submitter. Criteria: GeneDx Variant Classification Process June 2021. Collection method: clinical testing. Allele origin: germline. Affected: yes.

Laboratory for Molecular Medicine, Mass General Brigham Personalized Medicine
Classification: Benign. Last evaluated: 2017-06-26. Review status: criteria provided, single submitter. Criteria: LMM Criteria. Collection method: clinical testing. Allele origin: germline. Observed: 2 variant alleles.
Comment: p.Val1233Met variant in exon 28 of MYH9: This variant is not expected to have cl inical significance because it has been identified in 0.6% (179/30782) of South Asian chromosomes including 1 homozygote in the Genome Aggregation Database (gno mAD; dbSNP rs542791128), and in 2.9% (6/206) o f GIH Indian chromosomes by the 1000 Genomes Project.